The following is an entry in ClinVar:

ClinVar aggregate classification (germline): Pathogenic (3 of 4 stars; one submission).

Conditions:
Monogenic diabetes. Identifiers: Orphanet 183625, MedGen C3888631, MONDO:0015967.

Submission:

ClinGen Monogenic Diabetes Variant Curation Expert Panel
Classification: Pathogenic for Monogenic diabetes. Last evaluated: 2022-04-18. Review status: reviewed by expert panel. Criteria: ClinGen Diabetes ACMG Specifications v1 1. Collection method: curation. Allele origin: germline. Inheritance: Autosomal dominant inheritance.
Comment: The c.327-1G>T variant in the HNF1 homeobox A gene, HNF1A, is a single nucleotide variant within intron 1 of NM_000545.8. This variant is absent from gnomAD 2.1.1 (PM2_Supporting). This variant is predicted to cause skipping of biologically-relevant exon 1 of 10, resulting in a frameshift, leading to nonsense mediated decay in a gene in which loss-of-function is an established disease mechanism (PVS1; PMID: 23348805). The c.327-1G>A variant at the same canonical nucleotide has been classified as pathogenic for monogenic diabetes by the ClinGen MDEP, and c.327-1G>T has a similar predicted impact on splice acceptor loss by Splice AI (0.99) as c.327-1G>A (1.00) (PS1_Supporting). In summary, this variant meets the criteria to be classified as pathogenic for monogenic diabetes. ACMG/AMP criteria applied, as specified by the ClinGen MDEP (specification version 1.1, approved 9/30/2021): PVS1, PM2_Supporting, PS1_Supporting.

NM_000545.8(HNF1A):c.327-1G>T

Gene: HNF1A (HNF1 homeobox A; plus strand). Cytogenetic location: 12q24.31.
Variant type: single nucleotide variant.
Coding change: c.327-1G>T on transcript NM_000545.8 (MANE Select); the canonical splice acceptor site of the intron before coding-DNA position 327, G replaced by T.
Molecular consequence: splice acceptor variant.
Genome position (GRCh38, 1-based): chr12:120,988,832, G>T. VCF-style: chr12-120988832-G-T. GRCh37 (hg19) VCF-style: chr12-121426635-G-T.
Other names: NM_001306179.2:c.327-1G>T; c.327-1G>T (NM_001306179.2, NM_001406915.1).
Identifiers: ClinVar variation 1687073 (VCV001687073.3), dbSNP rs2135832426, ClinGen allele CA386958695.